The following is an entry in ClinVar:

NM_016247.4(IMPG2):c.2933C>T (p.Ala978Val)

Gene: IMPG2 (interphotoreceptor matrix proteoglycan 2; minus strand). Cytogenetic location: 3q12.3.
Variant type: single nucleotide variant.
Coding change: c.2933C>T on transcript NM_016247.4 (MANE Select); coding-DNA position 2933, C replaced by T.
Protein change: p.Ala978Val; replaces alanine 978 with valine.
Molecular consequence: missense variant.
Genome position (GRCh38, 1-based): chr3:101,242,777, G>A on the plus strand (C>T on the coding strand, the complement: IMPG2 is on the minus strand). VCF-style: chr3-101242777-G-A. GRCh37 (hg19) VCF-style: chr3-100961621-G-A.
Other names: short protein forms A978V.
Identifiers: ClinVar variation 901921 (VCV000901921.12), dbSNP rs371611480, ClinGen allele CA2518876.

ClinVar aggregate classification (germline): Uncertain significance. Review status: criteria provided, multiple submitters, no conflicts (2 of 4 stars). 4 submissions from 4 submitters: Uncertain significance (4). Last evaluated 2024-08-26.

Conditions:
Retinitis pigmentosa (RP). Identifiers: Orphanet 791, MedGen C0035334, MeSH D012174, MONDO:0019200, OMIM 268000. Inheritance: Autosomal dominant, autosomal recessive and X linked inheritance.
Inborn genetic diseases. Identifiers: MedGen C0950123, MeSH D030342.

Allele frequency attached by ClinVar (database versions not stated): ESP Exome Variant Server 0.00015; ExAC 0.00016; gnomAD exomes 0.00019 and 0.00020; gnomAD 0.00025; 1000 Genomes Project 30x 0.00031; 1000 Genomes Project 0.00040; TOPMed 0.00043.
gnomAD v4.1: 307 of 1,613,806 alleles (0.019%); highest among the groups gnomAD compares: Admixed American, 0.11%; 2 homozygotes.

Submissions (4):

Blueprint Genetics
Classification: Uncertain significance. Last evaluated: 2024-08-26. Review status: criteria provided, single submitter. Criteria: ACMG Guidelines, 2015. Collection method: clinical testing. Allele origin: germline.

Labcorp Genetics (formerly Invitae), Labcorp
Classification: Uncertain significance. Last evaluated: 2022-05-06. Review status: criteria provided, single submitter. Criteria: Invitae Variant Classification Sherloc (09022015). Collection method: clinical testing. Allele origin: germline.
Comment: This variant has not been reported in the literature in individuals affected with IMPG2-related conditions. This variant is present in population databases (rs371611480, gnomAD 0.07%). This sequence change replaces alanine, which is neutral and non-polar, with valine, which is neutral and non-polar, at codon 978 of the IMPG2 protein (p.Ala978Val). ClinVar contains an entry for this variant (Variation ID: 901921). In summary, the available evidence is currently insufficient to determine the role of this variant in disease. Therefore, it has been classified as a Variant of Uncertain Significance. Algorithms developed to predict the effect of missense changes on protein structure and function (SIFT, PolyPhen-2, Align-GVGD) all suggest that this variant is likely to be disruptive.

Ambry Genetics
Classification: Uncertain significance for Inborn genetic diseases. Last evaluated: 2021-09-17. Review status: criteria provided, single submitter. Criteria: Ambry Variant Classification Scheme 2023. Collection method: clinical testing. Allele origin: germline.

Illumina Laboratory Services, Illumina
Classification: Uncertain significance for Retinitis pigmentosa. Last evaluated: 2018-01-13. Review status: criteria provided, single submitter. Criteria: ICSL Variant Classification Criteria 13 December 2019. Collection method: clinical testing. Allele origin: germline.